The following is an entry in ClinVar:

ClinVar aggregate classification (germline): Pathogenic (1 of 4 stars; one submission).

Conditions:
Familial thoracic aortic aneurysm and aortic dissection (TAAD). Also called: Thoracic aortic aneurysms and dissections. Identifiers: Orphanet 91387, MedGen C4707243, MONDO:0019625.
Hereditary cancer-predisposing syndrome. Also called: Neoplastic Syndromes, Hereditary; Tumor predisposition; Hereditary Cancer Syndrome; Hereditary neoplastic syndrome. Identifiers: Orphanet 140162, MedGen C0027672, MeSH D009386, MONDO:0015356.

Submission:

Ambry Genetics
Classification: Pathogenic for Hereditary cancer-predisposing syndrome; Familial thoracic aortic aneurysm and aortic dissection. Last evaluated: 2015-07-18. Review status: criteria provided, single submitter. Criteria: Ambry Variant Classification Scheme 2023. Collection method: clinical testing. Allele origin: germline.
Comment: The c.1585_1586dupTT pathogenic mutation, located in coding exon 11 of the SMAD4 gene, results from a duplication of TT at nucleotide position 1585, causing a translational frameshift with a predicted alternate stop codon. Since frameshifts are typically deleterious in nature, this alteration is interpreted as a disease-causing mutation (ACMG Recommendations for Standards for Interpretation and Reporting of Sequence Variations. Revision 2007. Genet Med. 2008;10:294).

NM_005359.6(SMAD4):c.1585_1586dup (p.Leu529fs)

Gene: SMAD4 (SMAD family member 4; plus strand). Cytogenetic location: 18q21.2.
Variant type: Duplication.
Coding change: c.1585_1586dup on transcript NM_005359.6 (MANE Select); coding-DNA positions 1585 to 1586, 2 bases duplicated (TT; older notation c.1585_1586dupTT).
Protein change: p.Leu529fs; shifts the reading frame from leucine 529.
Molecular consequence: frameshift variant.
Genome position (GRCh38, 1-based): chr18:51,078,393-51,078,394, TT duplicated. VCF-style (leftmost placement, unchanged base first): chr18-51078392-C-CTT. GRCh37 (hg19) VCF-style: chr18-48604762-C-CTT.
Other names: c.1585_1586dupTT (NM_005359.5); short protein forms L529fs.
Identifiers: ClinVar variation 233042 (VCV000233042.5), dbSNP rs876660150, ClinGen allele CA10580992.
Genomic context (GRCh38, chr18:51,078,392, plus strand): 5'-CTGGGGACCGGATTACCCAAGACAGAGCATCAAAGAAACACCTTGCTGGATTGAAATTCA[C>CTT]TTACACCGGGCCCTCCAGCTCCTAGACGAAGTACTTCATACCATGCCGATTGCAGACCCA-3'